The following is an entry in ClinVar:

ClinVar aggregate classification (germline): Uncertain significance. Review status: criteria provided, multiple submitters, no conflicts (2 of 4 stars). 2 submissions from 2 submitters: Uncertain significance (2). Last evaluated 2026-01-18.

Conditions:
Colorectal cancer, hereditary nonpolyposis, type 7. Identifiers: Orphanet 144, MedGen C1858380, MONDO:0013725, OMIM 614385.

Allele frequency attached by ClinVar (database versions not stated): ExAC 0.00001; gnomAD 0.00001; gnomAD exomes below 0.00001.
gnomAD v4.1: 6 of 1,613,950 alleles (0.00037%); highest among the groups gnomAD compares: Non-Finnish European, 0.00051%; no homozygotes.

Submissions (2):

Labcorp Genetics (formerly Invitae), Labcorp
Classification: Uncertain significance for Colorectal cancer, hereditary nonpolyposis, type 7. Last evaluated: 2026-01-18. Review status: criteria provided, single submitter. Criteria: Invitae Variant Classification Sherloc (09022015). Collection method: clinical testing. Allele origin: germline.
Comment: This sequence change replaces alanine, which is neutral and non-polar, with threonine, which is neutral and polar, at codon 96 of the MLH3 protein (p.Ala96Thr). This variant is present in population databases (rs771480607, gnomAD 0.003%). This variant has not been reported in the literature in individuals affected with MLH3-related conditions. ClinVar contains an entry for this variant (Variation ID: 1797041). An algorithm developed to predict the effect of missense changes on protein structure and function (PolyPhen-2) suggests that this variant is likely to be disruptive. In summary, the available evidence is currently insufficient to determine the role of this variant in disease. Therefore, it has been classified as a Variant of Uncertain Significance.

Ambry Genetics
Classification: Uncertain significance. Last evaluated: 2025-10-15. Review status: criteria provided, single submitter. Criteria: Ambry Variant Classification Scheme 2023. Collection method: clinical testing. Allele origin: germline.
Comment: The p.A96T variant (also known as c.286G>A), located in coding exon 1 of the MLH3 gene, results from a G to A substitution at nucleotide position 286. The alanine at codon 96 is replaced by threonine, an amino acid with similar properties. This amino acid position is highly conserved in available vertebrate species. In addition, this alteration is predicted to be deleterious by in silico analysis. Since supporting evidence is limited at this time, the clinical significance of this alteration remains unclear.

NM_001040108.2(MLH3):c.286G>A (p.Ala96Thr)

Gene: MLH3 (mutL homolog 3; minus strand). Cytogenetic location: 14q24.3.
Variant type: single nucleotide variant.
Coding change: c.286G>A on transcript NM_001040108.2 (MANE Select); coding-DNA position 286, G replaced by A.
Protein change: p.Ala96Thr; replaces alanine 96 with threonine.
Molecular consequence: missense variant.
Genome position (GRCh38, 1-based): chr14:75,049,370, C>T on the plus strand (G>A on the coding strand, the complement: MLH3 is on the minus strand). VCF-style: chr14-75049370-C-T. GRCh37 (hg19) VCF-style: chr14-75516073-C-T.
Other names: c.286G>A, p.Ala96Thr (NM_014381.3); short protein forms A96T.
Identifiers: ClinVar variation 1797041 (VCV001797041.6), dbSNP rs771480607, ClinGen allele CA7276059.